The following is an entry in ClinVar:

ClinVar aggregate classification (germline): Uncertain significance (1 of 4 stars; one submission).

Conditions:
Hyper-IgM syndrome type 5 (HIGM5). Also called: Hyper-IgM Immunodeficiency Syndrome, Type 5. Identifiers: Orphanet 101092, MedGen C1720958, MONDO:0011971, OMIM 608106.

Allele frequency attached by ClinVar (database versions not stated): gnomAD exomes 0.00001; ExAC 0.00002; gnomAD 0.00002.
gnomAD v4.1: 4 of 1,612,316 alleles (0.00025%); highest among the groups gnomAD compares: African/African-American, 0.0053%; no homozygotes.

Submission:

Labcorp Genetics (formerly Invitae), Labcorp
Classification: Uncertain significance for Hyper-IgM syndrome type 5. Last evaluated: 2022-10-03. Review status: criteria provided, single submitter. Criteria: Invitae Variant Classification Sherloc (09022015). Collection method: clinical testing. Allele origin: germline.
Comment: This sequence change replaces serine, which is neutral and polar, with tryptophan, which is neutral and slightly polar, at codon 64 of the UNG protein (p.Ser64Trp). This variant is present in population databases (rs757987852, gnomAD 0.02%). This variant has not been reported in the literature in individuals affected with UNG-related conditions. ClinVar contains an entry for this variant (Variation ID: 1063954). Algorithms developed to predict the effect of missense changes on protein structure and function are either unavailable or do not agree on the potential impact of this missense change (SIFT: "Deleterious"; PolyPhen-2: "Possibly Damaging"; Align-GVGD: "Class C0"). In summary, the available evidence is currently insufficient to determine the role of this variant in disease. Therefore, it has been classified as a Variant of Uncertain Significance.

NM_080911.3(UNG):c.191C>G (p.Ser64Trp)

Gene: UNG (uracil DNA glycosylase; plus strand). Cytogenetic location: 12q24.11.
Variant type: single nucleotide variant.
Coding change: c.191C>G on transcript NM_080911.3 (MANE Select); coding-DNA position 191, C replaced by G.
Protein change: p.Ser64Trp; replaces serine 64 with tryptophan.
Molecular consequence: missense variant.
Genome position (GRCh38, 1-based): chr12:109,098,490, C>G. VCF-style: chr12-109098490-C-G. GRCh37 (hg19) VCF-style: chr12-109536295-C-G.
Other names: c.164C>G, p.Ser55Trp (NM_003362.4); short protein forms S55W, S64W.
Identifiers: ClinVar variation 1063954 (VCV001063954.6), dbSNP rs757987852, ClinGen allele CA6772520.